The following is an entry in ClinVar:

ClinVar aggregate classification (germline): Uncertain significance (1 of 4 stars; one submission).

Conditions:
Hereditary cancer-predisposing syndrome. Also called: Hereditary Cancer Syndrome; Hereditary neoplastic syndrome; Neoplastic Syndromes, Hereditary; Tumor predisposition. Identifiers: Orphanet 140162, MedGen C0027672, MeSH D009386, MONDO:0015356.

Submission:

Ambry Genetics
Classification: Uncertain significance for Hereditary cancer-predisposing syndrome. Last evaluated: 2021-03-04. Review status: criteria provided, single submitter. Criteria: Ambry Variant Classification Scheme 2023. Collection method: clinical testing. Allele origin: germline.
Comment: The p.K1440Q variant (also known as c.4318A>C), located in coding exon 28 of the ATM gene, results from an A to C substitution at nucleotide position 4318. The lysine at codon 1440 is replaced by glutamine, an amino acid with similar properties. This amino acid position is not well conserved in available vertebrate species. In addition, this alteration is predicted to be tolerated by in silico analysis. Since supporting evidence is limited at this time, the clinical significance of this alteration remains unclear.

NM_000051.4(ATM):c.4318A>C (p.Lys1440Gln)

Gene: ATM (ATM serine/threonine kinase; plus strand). Cytogenetic location: 11q22.3.
Variant type: single nucleotide variant.
Coding change: c.4318A>C on transcript NM_000051.4 (MANE Select); coding-DNA position 4318, A replaced by C.
Protein change: p.Lys1440Gln; replaces lysine 1440 with glutamine.
Molecular consequence: missense variant.
Genome position (GRCh38, 1-based): chr11:108,289,683, A>C. VCF-style: chr11-108289683-A-C. GRCh37 (hg19) VCF-style: chr11-108160410-A-C.
Other names: c.4318A>C, p.Lys1440Gln (NM_001351834.2); short protein forms K1440Q.
Identifiers: ClinVar variation 1739669 (VCV001739669.2), dbSNP rs1060501551, ClinGen allele CA382531788.